The following is an entry in ClinVar:

ClinVar aggregate classification (germline): Pathogenic (1 of 4 stars; one submission).

Conditions:
Retinitis pigmentosa 25 (RP25). Identifiers: Orphanet 791, MedGen C1864446, MONDO:0011272, OMIM 602772.

Submission:

Broad Center for Mendelian Genomics, Broad Institute of MIT and Harvard
Classification: Pathogenic for Retinitis pigmentosa 25. Last evaluated: 2023-08-24. Review status: criteria provided, single submitter. Criteria: ACMG/ClinGen CNV Guidelines, 2019. Collection method: research. Allele origin: unknown. Inheritance: Autosomal recessive inheritance. Affected: yes.
Comment: A homozygous deletion of exons 13-14 in EYS (NM_001142800.2) was identified by exome sequencing in two individuals with retinitis pigmentosa ([GRCh 38] chr6:64997485_65057825x0) (PMID: 34906470). The presence of this deletion was validated by ddPCR. These breakpoints have been estimated by exome sequencing only and therefore may not reflect the true breakpoints. Inheritance information is unavailable. The patients’ phenotypes are nonspecific, but are consistent with cases described in the literature and/or published databases with overlapping variants. This intragenic variant is predicted to cause a frameshift, which alters the protein’s amino acid sequence beginning at exon 13 and leads to a premature termination codon. This alteration is then predicted to lead to a truncated or absent protein. Loss of function of EYS is an established disease mechanism in autosomal recessive EYS-related retinopathy. In summary, this variant meets criteria to be classified as pathogenic for autosomal recessive nephrotic syndrome. The ACMG/ClinGen evidence codes and points used in this curation are as follows: 1: 0 points, 2: 0.9 points, 3: 0 points, 4-5: 0.30 points; Total: 1.20 points; Riggs 2020 (PMID: 31690835).

Literature cited by the submitters: PubMed 34906470.

GRCh38/hg38 6q12(chr6:64997485-65057825)x0

Gene: EYS (eyes shut homolog; minus strand). Cytogenetic location: 6q12.
Variant type: copy number loss.
Change: copy number 0 (both copies lost) of chr6:64,997,485-65,057,825 (60.3 kb, GRCh38 coordinates, 1-based), cytogenetic band 6q12.
Identifiers: ClinVar variation 2579229 (VCV002579229.1).